The following is an entry in ClinVar:

ClinVar aggregate classification (germline): Pathogenic (1 of 4 stars; one submission).

Conditions:
Muscular dystrophy-dystroglycanopathy type B6 (MDDGB6). Also called: MUSCULAR DYSTROPHY-DYSTROGLYCANOPATHY (CONGENITAL WITH IMPAIRED INTELLECTUAL DEVELOPMENT), TYPE B, 6; MUSCULAR DYSTROPHY, CONGENITAL, LARGE-RELATED; MUSCULAR DYSTROPHY, CONGENITAL, TYPE 1D. Identifiers: MedGen C1837229, MONDO:0012138, OMIM 608840.

Submission:

Labcorp Genetics (formerly Invitae), Labcorp
Classification: Pathogenic for Muscular dystrophy-dystroglycanopathy type B6. Last evaluated: 2024-02-24. Review status: criteria provided, single submitter. Criteria: Invitae Variant Classification Sherloc (09022015). Collection method: clinical testing. Allele origin: germline.
Comment: This sequence change creates a premature translational stop signal (p.Phe404Serfs*9) in the LARGE1 gene. It is expected to result in an absent or disrupted protein product. Loss-of-function variants in LARGE1 are known to be pathogenic (PMID: 12966029, 17878207). This variant is not present in population databases (gnomAD no frequency). This variant has not been reported in the literature in individuals affected with LARGE1-related conditions. ClinVar contains an entry for this variant (Variation ID: 1369565). For these reasons, this variant has been classified as Pathogenic.

Literature cited by the submitters: PubMed 12966029; PubMed 17878207.

NM_133642.5(LARGE1):c.1209del (p.Phe404fs)

Gene: LARGE1 (LARGE xylosyl- and glucuronyltransferase 1; minus strand). Cytogenetic location: 22q12.3.
Variant type: Deletion.
Coding change: c.1209del on transcript NM_133642.5 (MANE Select); coding-DNA position 1209, one base deleted (C; older notation c.1209delC).
Protein change: p.Phe404fs; shifts the reading frame from phenylalanine 404.
Molecular consequence: frameshift variant. On other transcripts: intron variant (2).
Genome position (GRCh38, 1-based): chr22:33,337,724, G deleted on the plus strand (C on the coding strand, the reverse complement: LARGE1 is on the minus strand); the first of 2 consecutive G bases (chr22:33,337,724-33,337,725); deleting either gives the same sequence. VCF-style (leftmost placement, unchanged base first): chr22-33337723-AG-A. GRCh37 (hg19) VCF-style: chr22-33733709-AG-A.
Other names: c.1209del, p.Phe404fs (NM_001362949.2, NM_001362951.2, NM_001362953.2 and 6 more transcripts); c.606del, p.Phe203fs (NM_001378630.1); c.1132-21476del (NM_001378629.1); c.529-21476del (NM_001378631.1); short protein forms F404fs, F203fs.
Identifiers: ClinVar variation 1369565 (VCV001369565.6), dbSNP rs1938637889, ClinGen allele CA2402373862.